The following is an entry in ClinVar:

NM_006343.3(MERTK):c.766G>C (p.Glu256Gln)

Gene: MERTK (MER proto-oncogene, tyrosine kinase; plus strand). Cytogenetic location: 2q13.
Variant type: single nucleotide variant.
Coding change: c.766G>C on transcript NM_006343.3 (MANE Select); coding-DNA position 766, G replaced by C.
Protein change: p.Glu256Gln; replaces glutamic acid 256 with glutamine.
Molecular consequence: missense variant.
Genome position (GRCh38, 1-based): chr2:111,965,199, G>C. VCF-style: chr2-111965199-G-C. GRCh37 (hg19) VCF-style: chr2-112722776-G-C.
Other names: short protein forms E256Q.
Identifiers: ClinVar variation 1477480 (VCV001477480.8), dbSNP rs764872103, ClinGen allele CA1831167.

ClinVar aggregate classification (germline): Uncertain significance. Review status: criteria provided, multiple submitters, no conflicts (2 of 4 stars). 2 submissions from 2 submitters: Uncertain significance (2). Last evaluated 2021-03-29.

Allele frequency attached by ClinVar (database versions not stated): gnomAD 0.00001; gnomAD exomes 0.00003; ExAC 0.00005.
gnomAD v4.1: 22 of 1,614,094 alleles (0.0014%); highest among the groups gnomAD compares: South Asian, 0.024%; no homozygotes.

Submissions (2):

Labcorp Genetics (formerly Invitae), Labcorp
Classification: Uncertain significance. Last evaluated: 2021-03-29. Review status: criteria provided, single submitter. Criteria: Invitae Variant Classification Sherloc (09022015). Collection method: clinical testing. Allele origin: germline.
Comment: This sequence change replaces glutamic acid with glutamine at codon 256 of the MERTK protein (p.Glu256Gln). The glutamic acid residue is highly conserved and there is a small physicochemical difference between glutamic acid and glutamine. This variant is present in population databases (rs764872103, ExAC 0.04%). This variant has not been reported in the literature in individuals with MERTK-related conditions. Algorithms developed to predict the effect of missense changes on protein structure and function are either unavailable or do not agree on the potential impact of this missense change (SIFT: "Deleterious"; PolyPhen-2: "Possibly Damaging"; Align-GVGD: "Class C0"). In summary, the available evidence is currently insufficient to determine the role of this variant in disease. Therefore, it has been classified as a Variant of Uncertain Significance.

Blueprint Genetics
Classification: Uncertain significance. Last evaluated: 2017-05-19. Review status: criteria provided, single submitter. Criteria: ACMG Guidelines, 2015. Collection method: clinical testing. Allele origin: germline.